The following is an entry in ClinVar:

ClinVar aggregate classification (germline): Pathogenic (1 of 4 stars; one submission).

Conditions:
Neurofibromatosis, type 1 (NF1). Also called: Peripheral type neurofibromatosis; NEUROFIBROMATOSIS, TYPE I, SOMATIC; VON RECKLINGHAUSEN DISEASE; Neurofibromatosis, type I. Identifiers: Orphanet 636, MedGen C0027831, MONDO:0018975, OMIM 162200. Disease mechanism: loss of function.

Submission:

Labcorp Genetics (formerly Invitae), Labcorp
Classification: Pathogenic for Neurofibromatosis, type 1. Last evaluated: 2023-07-28. Review status: criteria provided, single submitter. Criteria: Invitae Variant Classification Sherloc (09022015). Collection method: clinical testing. Allele origin: germline.
Comment: Retrotransposon insertions including LINE1 (L1), Alu, and SVA (SINE-VNTR-Alu) have been reported to be disease-causing through disruption of either a coding region or splice site (PMID: 19763152, 20307669, 22406018) and loss-of-function variants in NF1 are known to be pathogenic (PMID: 10712197, 23913538). Algorithms developed to predict the effect of sequence changes on RNA splicing suggest that this variant may disrupt the consensus splice site. This variant has not been reported in the literature in individuals affected with NF1-related conditions. This variant is not present in population databases (gnomAD no frequency). This sequence change inserts a large fragment of DNA, likely a transposable element, in exon 10 of the NF1 gene (c.1074_1075ins?), causing a frameshift at codon 358 (p.Phe358fs). The exact size and sequence of the insertion cannot be determined by the current assay. However, the insertion is expected to result in an absent or disrupted protein product. For these reasons, this variant has been classified as Pathogenic.

Literature cited by the submitters: PubMed 19763152; PubMed 20307669; PubMed 22406018; PubMed 10712197; PubMed 23913538.

NC_000017.11:g.31201048_31201049insTTTTTTTTTTTTTTTTTTTTNNNNNNNNNNCCTCGTGATCCGCCCGCCTCGGCCTCCCAAAGTGCTGGGATTACAGGCGTGAGCCACCGCGCCCGGCCTAGAACCTGCTTTTT

Gene: NF1 (neurofibromin 1; plus strand). Cytogenetic location: 17q11.2.
Variant type: Insertion.
Genome position: GRCh38: chr17:31,201,048-31,201,049. GRCh37 (hg19): chr17:29,528,066-29,528,067.
Identifiers: ClinVar variation 2747758 (VCV002747758.3).